The following is an entry in ClinVar:

ClinVar aggregate classification (germline): Pathogenic (1 of 4 stars; one submission).

Submission:

GeneDx
Classification: Pathogenic. Last evaluated: 2013-06-06. Review status: criteria provided, single submitter. Criteria: GeneDx Variant Classification (06012015). Collection method: clinical testing. Allele origin: germline. Affected: yes.
Comment: The Lys150Arg missense change has not been published as a mutation, nor has it been reported as a benign polymorphism to our knowledge. It was not observed in approximately 5,300 individuals of European and African American ancestry in the NHLBI Exome Sequencing Project, indicating it is not a common benign variant in these populations. The amino acid substitution is conservative, as Lysine and Arginine are both positively charged amino acids. However, it alters a highly conserved position in the catalytic domain of the protein, and multiple in silico algorithms predict it may be damaging to protein structure/function. Therefore, Lys150Arg is a strong candidate for a disease-causing mutation. This variant has been seen mosaic. The variant is found in EPILEPSY panel(s).

NM_001323289.2(CDKL5):c.449A>G (p.Lys150Arg)

Gene: CDKL5 (cyclin dependent kinase like 5; plus strand). Cytogenetic location: Xp22.13.
Variant type: single nucleotide variant.
Coding change: c.449A>G on transcript NM_001323289.2 (MANE Select); coding-DNA position 449, A replaced by G.
Protein change: p.Lys150Arg; replaces lysine 150 with arginine.
Molecular consequence: missense variant.
Genome position (GRCh38, 1-based): chrX:18,581,936, A>G. VCF-style: chrX-18581936-A-G. GRCh37 (hg19) VCF-style: chrX-18600056-A-G.
Other names: p.K150R:AAA>AGA; c.449A>G, p.Lys150Arg (NM_001037343.2, NM_003159.3); short protein forms K150R.
Identifiers: ClinVar variation 156602 (VCV000156602.2), dbSNP rs587783083, ClinGen allele CA294601.